The following is an entry in ClinVar:

ClinVar aggregate classification (germline): Uncertain significance (1 of 4 stars; one submission).

gnomAD v4.1: 92 of 1,614,050 alleles (0.0057%); highest among the groups gnomAD compares: Middle Eastern, 0.016%; no homozygotes.

Submission:

Labcorp Genetics (formerly Invitae), Labcorp
Classification: Uncertain significance. Last evaluated: 2025-01-20. Review status: criteria provided, single submitter. Criteria: Invitae Variant Classification Sherloc (09022015). Collection method: clinical testing. Allele origin: germline.
Comment: This sequence change replaces serine, which is neutral and polar, with cysteine, which is neutral and slightly polar, at codon 545 of the PPP1R15B protein (p.Ser545Cys). This variant is present in population databases (rs763050964, gnomAD 0.2%), and has an allele count higher than expected for a pathogenic variant. This variant has not been reported in the literature in individuals affected with PPP1R15B-related conditions. Invitae Evidence Modeling of protein sequence and biophysical properties (such as structural, functional, and spatial information, amino acid conservation, physicochemical variation, residue mobility, and thermodynamic stability) indicates that this missense variant is not expected to disrupt PPP1R15B protein function with a negative predictive value of 80%. In summary, the available evidence is currently insufficient to determine the role of this variant in disease. Therefore, it has been classified as a Variant of Uncertain Significance.

NM_032833.5(PPP1R15B):c.1634C>G (p.Ser545Cys)

Gene: PPP1R15B (protein phosphatase 1 regulatory subunit 15B; minus strand). Cytogenetic location: 1q32.1.
Variant type: single nucleotide variant.
Coding change: c.1634C>G on transcript NM_032833.5 (MANE Select); coding-DNA position 1634, C replaced by G.
Protein change: p.Ser545Cys; replaces serine 545 with cysteine.
Molecular consequence: missense variant.
Genome position (GRCh38, 1-based): chr1:204,409,778, G>C on the plus strand (C>G on the coding strand, the complement: PPP1R15B is on the minus strand). VCF-style: chr1-204409778-G-C. GRCh37 (hg19) VCF-style: chr1-204378906-G-C.
Other names: short protein forms S545C.
Identifiers: ClinVar variation 3625391 (VCV003625391.2).